The following is an entry in ClinVar:

ClinVar aggregate classification (germline): Uncertain significance (1 of 4 stars; one submission).

Conditions:
PLXNA3-related disorder. Also called: PLXNA3-related condition.

gnomAD v4.1: 5 of 1,183,100 alleles (0.00042%); highest among the groups gnomAD compares: East Asian, 0.003%; no homozygotes.

Submission:

PreventionGenetics, part of Exact Sciences
Classification: Uncertain significance for PLXNA3-related condition. Last evaluated: 2026-07-06. Review status: criteria provided, single submitter. Criteria: ACMG Guidelines, 2015. Collection method: clinical testing. Allele origin: germline.
Comment: The PLXNA3 c.3934G>A variant is predicted to result in the amino acid substitution p.Glu1312Lys. To our knowledge, this variant has not been reported in the literature. This variant is reported in 0.021% of alleles in individuals of Ashkenazi Jewish descent in gnomAD. At this time, the clinical significance of this variant is uncertain due to the absence of conclusive functional and genetic evidence.

NM_017514.5(PLXNA3):c.3934G>A (p.Glu1312Lys)

Gene: PLXNA3 (plexin A3; plus strand). Cytogenetic location: Xq28.
Variant type: single nucleotide variant.
Coding change: c.3934G>A on transcript NM_017514.5 (MANE Select); coding-DNA position 3934, G replaced by A.
Protein change: p.Glu1312Lys; replaces glutamic acid 1312 with lysine.
Molecular consequence: missense variant.
Genome position (GRCh38, 1-based): chrX:154,468,195, G>A. VCF-style: chrX-154468195-G-A. GRCh37 (hg19) VCF-style: chrX-153696538-G-A.
Other names: short protein forms E1312K.
Identifiers: ClinVar variation 4985505 (VCV004985505.1).